The following is an entry in ClinVar:

NM_000186.3(CFH):c.-124G>T

Gene: CFH (complement factor H; plus strand). Cytogenetic location: 1q31.3.
Variant type: single nucleotide variant.
Coding change: c.-124G>T on transcript NM_000186.3; 124 bases upstream of the start codon, G replaced by T.
Genome position (GRCh38, 1-based): chr1:196,651,994, G>T. VCF-style: chr1-196651994-G-T. GRCh37 (hg19) VCF-style: chr1-196621124-G-T.
Identifiers: ClinVar variation 294475 (VCV000294475.8), dbSNP rs527444515, ClinGen allele CA10609165.
Genomic context (GRCh38, chr1:196,651,994, plus strand): 5'-CTGGGCTTGTGGCTTGTGGTTGATTTTTTATTTACTTTGCAAAAGTTTCTGATAGGCGGA[G>T]CATCTAGTTTCAACTTCCTTTTGCAGCAAGTTCTTTCCTGCACTAATCACAATTCTTGGA-3'

ClinVar aggregate classification (germline): Benign/Likely benign. Review status: criteria provided, multiple submitters, no conflicts (2 of 4 stars). 5 submissions from 2 submitters: Benign (1); Likely benign (4). Last evaluated 2018-01-13.

Conditions:
Basal laminar drusen. Also called: DRUSEN OF BRUCH MEMBRANE; DRUSEN, CUTICULAR; DRUSEN, EARLY ADULT-ONSET, GROUPED. Identifiers: Orphanet 75376, MedGen C0730295, MONDO:0007472, OMIM 126700.
Hemolytic uremic syndrome, atypical, susceptibility to, 1. Also called: AHUS, SUSCEPTIBILITY TO, 1. Identifiers: Orphanet 2134, Orphanet 90038, MedGen C2749604, MONDO:0009335, OMIM 235400. Disease mechanism: Other.
CFH-Related Dense Deposit Disease / Membranoproliferative Glomerulonephritis Type II. Identifiers: MedGen CN071292.
Age related macular degeneration 4. Identifiers: MedGen C1853147, MONDO:0012540, OMIM 610698.

Allele frequency attached by ClinVar (database versions not stated): TOPMed 0.00027; 1000 Genomes Project 0.00060; 1000 Genomes Project 30x 0.00047.

Submissions (5):

Illumina Laboratory Services, Illumina
Classification: Likely benign for Membranoproliferative glomerulonephritis with complement factor h deficiency. Last evaluated: 2018-01-13. Review status: criteria provided, single submitter. Criteria: ICSL Variant Classification Criteria 13 December 2019. Collection method: clinical testing. Allele origin: germline.
Comment: This variant was observed in the ICSL laboratory as part of a predisposition screen in an ostensibly healthy population. It had not been previously curated by ICSL or reported in the Human Gene Mutation Database (HGMD: prior to June 1st, 2018), and was therefore a candidate for classification through an automated scoring system. Utilizing variant allele frequency, disease prevalence and penetrance estimates, and inheritance mode, an automated score was calculated to assess if this variant is too frequent to cause the disease. Based on the score and internal cut-off values, a variant classified as likely benign is not then subjected to further curation. The score for this variant resulted in a classification of likely benign for this disease.

Illumina Laboratory Services, Illumina
Classification: Benign for Hemolytic uremic syndrome, atypical, susceptibility to, 1. Last evaluated: 2018-01-13. Review status: criteria provided, single submitter. Criteria: ICSL Variant Classification Criteria 13 December 2019. Collection method: clinical testing. Allele origin: germline.
Comment: This variant was observed in the ICSL laboratory as part of a predisposition screen in an ostensibly healthy population. It had not been previously curated by ICSL or reported in the Human Gene Mutation Database (HGMD: prior to June 1st, 2018), and was therefore a candidate for classification through an automated scoring system. Utilizing variant allele frequency, disease prevalence and penetrance estimates, and inheritance mode, an automated score was calculated to assess if this variant is too frequent to cause the disease. Based on the score and internal cut-off values, a variant classified as benign is not then subjected to further curation. The score for this variant resulted in a classification of benign for this disease.

Illumina Laboratory Services, Illumina
Classification: Likely benign for Age related macular degeneration 4. Last evaluated: 2018-01-13. Review status: criteria provided, single submitter. Criteria: ICSL Variant Classification Criteria 13 December 2019. Collection method: clinical testing. Allele origin: germline.
Comment: the same text as in the submission from Illumina Laboratory Services, Illumina above.

Illumina Laboratory Services, Illumina
Classification: Likely benign for Basal laminar drusen. Last evaluated: 2018-01-13. Review status: criteria provided, single submitter. Criteria: ICSL Variant Classification Criteria 13 December 2019. Collection method: clinical testing. Allele origin: germline.
Comment: the same text as in the submission from Illumina Laboratory Services, Illumina above.

Breakthrough Genomics
Classification: Likely benign. Review status: criteria provided, single submitter. Criteria: ACMG Guidelines, 2015. Collection method: not provided. Allele origin: germline. Inheritance: Autosomal recessive inheritance. Affected: yes.